The following is an entry in ClinVar:

ClinVar aggregate classification (germline): Uncertain significance (1 of 4 stars; one submission).

gnomAD v4.1: 2 of 1,613,988 alleles (0.00012%); highest among the groups gnomAD compares: African/African-American, 0.0027%; no homozygotes.

Submission:

GeneDx
Classification: Uncertain significance. Last evaluated: 2025-04-07. Review status: criteria provided, single submitter. Criteria: GeneDx Variant Classification Process June 2021. Collection method: clinical testing. Allele origin: germline. Affected: yes.
Comment: In silico analysis supports that this missense variant has a deleterious effect on protein structure/function; Has not been previously published as pathogenic or benign to our knowledge

NM_020987.5(ANK3):c.13013A>C (p.Lys4338Thr)

Gene: ANK3 (ankyrin 3; minus strand). Cytogenetic location: 10q21.2.
Variant type: single nucleotide variant.
Coding change: c.13013A>C on transcript NM_020987.5 (MANE Select); coding-DNA position 13013, A replaced by C.
Protein change: p.Lys4338Thr; replaces lysine 4338 with threonine.
Molecular consequence: missense variant.
Genome position (GRCh38, 1-based): chr10:60,055,710, T>G on the plus strand (A>C on the coding strand, the complement: ANK3 is on the minus strand). VCF-style: chr10-60055710-T-G. GRCh37 (hg19) VCF-style: chr10-61815468-T-G.
Other names: c.2885A>C, p.Lys962Thr (NM_001149.4); c.5465A>C, p.Lys1822Thr (NM_001204403.2); c.5486A>C, p.Lys1829Thr (NM_001204404.2); c.5483A>C, p.Lys1828Thr (NM_001320874.2); short protein forms K1822T, K1828T, K1829T, K4338T, K962T.
Identifiers: ClinVar variation 4281714 (VCV004281714.1).